The following is an entry in ClinVar:

ClinVar aggregate classification (germline): Likely benign. Review status: criteria provided, multiple submitters, no conflicts (2 of 4 stars). 2 submissions from 2 submitters: Likely benign (2). Last evaluated 2023-09-24.

Conditions:
Meckel-Gruber syndrome. Also called: Dysencephalia splachnocystica; GRUBER SYNDROME; DYSENCEPHALIA SPLANCHNOCYSTICA. Identifiers: Orphanet 564, MedGen C0265215, MONDO:0018921.
Nephronophthisis. Also called: Juvenile Nephronophthisis. Identifiers: Orphanet 655, MedGen C0687120, MONDO:0019005, HP:0000090.
Joubert syndrome. Also called: JOUBERT-BOLTSHAUSER SYNDROME; Familial aplasia of the vermis; CEREBELLOPARENCHYMAL DISORDER IV. Identifiers: Orphanet 475, MedGen C5979921, MONDO:0018772.

Allele frequency attached by ClinVar (database versions not stated): gnomAD exomes below 0.00001 and 0.00001; gnomAD 0.00001; TOPMed 0.00001; ExAC 0.00003.
gnomAD v4.1: 3 of 1,562,674 alleles (0.00019%); highest among the groups gnomAD compares: African/African-American, 0.0041%; no homozygotes.

Submissions (2):

Labcorp Genetics (formerly Invitae), Labcorp
Classification: Likely benign for Joubert syndrome; Meckel-Gruber syndrome; Nephronophthisis. Last evaluated: 2023-09-24. Review status: criteria provided, single submitter. Criteria: Invitae Variant Classification Sherloc (09022015). Collection method: clinical testing. Allele origin: germline.

GeneDx
Classification: Likely benign. Last evaluated: 2016-12-16. Review status: criteria provided, single submitter. Criteria: GeneDx Variant Classification (06012015). Collection method: clinical testing. Allele origin: germline. Affected: yes.
Comment: This variant is considered likely benign or benign based on one or more of the following criteria: it is a conservative change, it occurs at a poorly conserved position in the protein, it is predicted to be benign by multiple in silico algorithms, and/or has population frequency not consistent with disease.

NM_025114.4(CEP290):c.6882T>C (p.Thr2294=)

Gene: CEP290 (centrosomal protein 290; minus strand). Cytogenetic location: 12q21.32.
Variant type: single nucleotide variant.
Coding change: c.6882T>C on transcript NM_025114.4 (MANE Select); coding-DNA position 6882, T replaced by C.
Protein change: p.Thr2294=; no amino-acid change (threonine 2294 retained).
Molecular consequence: synonymous variant.
Genome position (GRCh38, 1-based): chr12:88,055,654, A>G on the plus strand (T>C on the coding strand, the complement: CEP290 is on the minus strand). VCF-style: chr12-88055654-A-G. GRCh37 (hg19) VCF-style: chr12-88449431-A-G.
Identifiers: ClinVar variation 391617 (VCV000391617.6), dbSNP rs759290213, ClinGen allele CA6711408.